The following is an entry in ClinVar:

NM_004525.3(LRP2):c.7472A>T (p.Asn2491Ile)

Gene: LRP2 (LDL receptor related protein 2; minus strand). Cytogenetic location: 2q31.1.
Variant type: single nucleotide variant.
Coding change: c.7472A>T on transcript NM_004525.3 (MANE Select); coding-DNA position 7472, A replaced by T.
Protein change: p.Asn2491Ile; replaces asparagine 2491 with isoleucine.
Molecular consequence: missense variant.
Genome position (GRCh38, 1-based): chr2:169,206,107, T>A on the plus strand (A>T on the coding strand, the complement: LRP2 is on the minus strand). VCF-style: chr2-169206107-T-A. GRCh37 (hg19) VCF-style: chr2-170062617-T-A.
Other names: short protein forms N2491I.
Identifiers: ClinVar variation 1036799 (VCV001036799.7), dbSNP rs754565386, ClinGen allele CA1954092.
Genomic context (GRCh38, chr2:169,206,107, plus strand): 5'-GCTCTTGGTTTTGGAACGCGGGCTATCACAGTGCGGTTAGACCCATCTTCAGCCATGGAA[T>A]TAATCATCTGGTTGAGGTAGTCACTGTAATAAATTCTTCTAGTAATCCAGTCAAAGGCAA-3'
Protein context (NP_004516.2, residues 2481-2501): YYSDYLNQMI[Asn2491Ile]SMAEDGSNRT

ClinVar aggregate classification (germline): Uncertain significance. Review status: criteria provided, multiple submitters, no conflicts (2 of 4 stars). 2 submissions from 2 submitters: Uncertain significance (2). Last evaluated 2022-11-01.

Allele frequency attached by ClinVar (database versions not stated): gnomAD 0.00001; TOPMed 0.00002; gnomAD exomes 0.00005 and 0.00011; ExAC 0.00010.
gnomAD v4.1: 30 of 1,614,114 alleles (0.0019%); highest among the groups gnomAD compares: Admixed American, 0.048%; 1 homozygote.

Submissions (2):

Labcorp Genetics (formerly Invitae), Labcorp
Classification: Uncertain significance. Last evaluated: 2022-11-01. Review status: criteria provided, single submitter. Criteria: Invitae Variant Classification Sherloc (09022015). Collection method: clinical testing. Allele origin: germline.
Comment: This sequence change replaces asparagine, which is neutral and polar, with isoleucine, which is neutral and non-polar, at codon 2491 of the LRP2 protein (p.Asn2491Ile). This variant is present in population databases (rs754565386, gnomAD 0.08%), including at least one homozygous and/or hemizygous individual. This variant has not been reported in the literature in individuals affected with LRP2-related conditions. ClinVar contains an entry for this variant (Variation ID: 1036799). Algorithms developed to predict the effect of missense changes on protein structure and function are either unavailable or do not agree on the potential impact of this missense change (SIFT: "Deleterious"; PolyPhen-2: "Possibly Damaging"; Align-GVGD: "Class C0"). In summary, the available evidence is currently insufficient to determine the role of this variant in disease. Therefore, it has been classified as a Variant of Uncertain Significance.

Blueprint Genetics
Classification: Uncertain significance. Last evaluated: 2019-01-17. Review status: criteria provided, single submitter. Criteria: ACMG Guidelines, 2015. Collection method: clinical testing. Allele origin: germline.